The following is an entry in ClinVar:

NM_000053.4(ATP7B):c.1869+2T>C

Gene: ATP7B (ATPase copper transporting beta; minus strand). Cytogenetic location: 13q14.3.
Variant type: single nucleotide variant.
Coding change: c.1869+2T>C on transcript NM_000053.4 (MANE Select); the canonical splice donor site of the intron after coding-DNA position 1869, T replaced by C.
Molecular consequence: splice donor variant. On other transcripts: intron variant (3).
Genome position (GRCh38, 1-based): chr13:51,964,870, A>G on the plus strand (T>C on the coding strand, the complement: ATP7B is on the minus strand). VCF-style: chr13-51964870-A-G. GRCh37 (hg19) VCF-style: chr13-52539006-A-G.
Other names: c.1869+2T>C (NM_001406513.1, NM_001406511.1, NM_001406528.1 and 24 more transcripts); c.1773+2T>C (NM_001406543.1, NM_001406518.1, NM_001406544.1 and 3 more transcripts); c.1536+2T>C (NM_001243182.2); c.1285+9065T>C (NM_001406548.1); c.1836+2T>C (NM_001406524.1, NM_001406514.1); c.1707+3574T>C (NM_001406547.1, NM_001406545.1); c.1440+2T>C (NM_001406539.1).
Identifiers: ClinVar variation 1162210 (VCV001162210.7), dbSNP rs2139767694, ClinGen allele CA388029859.

ClinVar aggregate classification (germline): Pathogenic/Likely pathogenic. Review status: criteria provided, multiple submitters, no conflicts (2 of 4 stars). 4 submissions from 4 submitters: Pathogenic (2); Likely pathogenic (2). Last evaluated 2025-02-27.

Conditions:
Wilson disease (WND). Also called: Wilson's disease. Identifiers: Orphanet 905, MedGen C0019202, MONDO:0010200, OMIM 277900. Disease mechanism: loss of function.

Submissions (4):

Natera, Inc.
Classification: Likely pathogenic for Wilson disease. Last evaluated: 2025-02-27. Review status: criteria provided, single submitter. Criteria: Natera Variant Classification Schema (03/2026). Collection method: clinical testing. Allele origin: germline.
Comment: The c.1869+2T>C variant in ATP7B is a canonical splice donor site variant predicted to affect pre-mRNA splicing, which may result in an abnormal transcript and altered protein product. This variant is expected to result in nonsense mediated decay, truncation, or a dysfunctional protein product. This variant is rare in the general population with a frequency below the threshold expected for the associated phenotype(s). Given the available evidence, this variant is classified as Likely Pathogenic.

Labcorp Genetics (formerly Invitae), Labcorp
Classification: Likely pathogenic for Wilson disease. Last evaluated: 2024-03-01. Review status: criteria provided, single submitter. Criteria: Invitae Variant Classification Sherloc (09022015). Collection method: clinical testing. Allele origin: germline.
Comment: This sequence change affects a donor splice site in intron 5 of the ATP7B gene. It is expected to disrupt RNA splicing. Variants that disrupt the donor or acceptor splice site typically lead to a loss of protein function (PMID: 16199547), and loss-of-function variants in ATP7B are known to be pathogenic (PMID: 10441329, 16283883). This variant is not present in population databases (gnomAD no frequency). Disruption of this splice site has been observed in individual(s) with Wilson disease (PMID: 22677543, 34400371). ClinVar contains an entry for this variant (Variation ID: 1162210). In summary, the currently available evidence indicates that the variant is pathogenic, but additional data are needed to prove that conclusively. Therefore, this variant has been classified as Likely Pathogenic.

Genome-Nilou Lab
Classification: Pathogenic for Wilson disease. Last evaluated: 2021-08-10. Review status: criteria provided, single submitter. Criteria: ACMG Guidelines, 2015. Collection method: clinical testing. Allele origin: germline. Affected: no.

Inborn Errors of Metabolism Laboratory, Hospices Civils de Lyon
Classification: Pathogenic for Wilson disease. Last evaluated: 2021-06-01. Review status: criteria provided, single submitter. Criteria: ACMG Guidelines, 2015. Collection method: clinical testing. Allele origin: germline. Affected: yes. Observed: 3 variant alleles.

Literature cited by the submitters: PubMed 16199547 (cited by Labcorp Genetics (formerly Invitae), Labcorp); PubMed 10441329 (cited by Labcorp Genetics (formerly Invitae), Labcorp); PubMed 16283883 (cited by Labcorp Genetics (formerly Invitae), Labcorp); PubMed 22677543 (cited by Labcorp Genetics (formerly Invitae), Labcorp and Inborn Errors of Metabolism Laboratory, Hospices Civils de Lyon); PubMed 34400371 (cited by Labcorp Genetics (formerly Invitae), Labcorp).